The following is an entry in ClinVar:

ClinVar aggregate classification (germline): Likely benign (0 of 4 stars; one submission).

Conditions:
EFCAB13-related disorder. Also called: EFCAB13-related condition.

Allele frequency attached by ClinVar (database versions not stated): gnomAD exomes 0.00004; ExAC 0.00008; ESP Exome Variant Server 0.00008; gnomAD 0.00032; TOPMed 0.00038.
gnomAD v4.1: 100 of 1,606,168 alleles (0.0062%); highest among the groups gnomAD compares: African/African-American, 0.13%; no homozygotes.

Submission:

PreventionGenetics, part of Exact Sciences
Classification: Likely benign for EFCAB13-related condition. Last evaluated: 2020-01-20. Review status: no assertion criteria provided. Collection method: clinical testing. Allele origin: germline.
Comment: This variant is classified as likely benign based on ACMG/AMP sequence variant interpretation guidelines (Richards et al. 2015 PMID: 25741868, with internal and published modifications).

NM_152347.5(EFCAB13):c.1032A>G (p.Gln344=)

Gene: EFCAB13 (EF-hand calcium binding domain 13; plus strand). Cytogenetic location: 17q21.32.
Variant type: single nucleotide variant.
Coding change: c.1032A>G on transcript NM_152347.5 (MANE Select); coding-DNA position 1032, A replaced by G.
Protein change: p.Gln344=; no amino-acid change (glutamine 344 retained).
Molecular consequence: synonymous variant.
Genome position (GRCh38, 1-based): chr17:47,374,626, A>G. VCF-style: chr17-47374626-A-G. GRCh37 (hg19) VCF-style: chr17-45451992-A-G.
Other names: c.744A>G, p.Gln248= (NM_001195192.2, NM_001426588.1); c.1032A>G, p.Gln344= (NM_001426585.1); c.888A>G, p.Gln296= (NM_001426586.1, NM_001426587.1).
Identifiers: ClinVar variation 3051249 (VCV003051249.2), dbSNP rs377667912, ClinGen allele CA8623856.
Genomic context (GRCh38, chr17:47,374,626, plus strand): 5'-TTTGTCTTCCAAACTCCCTGAACCTTCAATATCCAAAAAGTTAAATAAAAAAAGCAACCA[A>G]TATTATAGCAAAATTATGGAGAATGATGACCTTGAATCTAAAAGACCAAAAAATACTTGG-3'
Protein context (NP_689560.3, residues 334-354): ISKKLNKKSN[Gln344=]YYSKIMENDD